The following is an entry in ClinVar:

NM_000440.3(PDE6A):c.1121C>A (p.Pro374His)

Gene: PDE6A (phosphodiesterase 6A; minus strand). Cytogenetic location: 5q32.
Variant type: single nucleotide variant.
Coding change: c.1121C>A on transcript NM_000440.3 (MANE Select); coding-DNA position 1121, C replaced by A.
Protein change: p.Pro374His; replaces proline 374 with histidine.
Molecular consequence: missense variant.
Genome position (GRCh38, 1-based): chr5:149,899,517, G>T on the plus strand (C>A on the coding strand, the complement: PDE6A is on the minus strand). VCF-style: chr5-149899517-G-T. GRCh37 (hg19) VCF-style: chr5-149279080-G-T.
Other names: short protein forms P374H.
Identifiers: ClinVar variation 1491553 (VCV001491553.8), dbSNP rs1054536815, ClinGen allele CA129072988.

ClinVar aggregate classification (germline): Uncertain significance (1 of 4 stars; one submission).

Allele frequency attached by ClinVar (database versions not stated): gnomAD exomes below 0.00001; TOPMed 0.00001.
gnomAD v4.1: 6 of 1,614,076 alleles (0.00037%); highest among the groups gnomAD compares: Non-Finnish European, 0.00051%; no homozygotes.

Submission:

Labcorp Genetics (formerly Invitae), Labcorp
Classification: Uncertain significance. Last evaluated: 2025-02-03. Review status: criteria provided, single submitter. Criteria: Invitae Variant Classification Sherloc (09022015). Collection method: clinical testing. Allele origin: germline.
Comment: This sequence change replaces proline, which is neutral and non-polar, with histidine, which is basic and polar, at codon 374 of the PDE6A protein (p.Pro374His). This variant is not present in population databases (gnomAD no frequency). This variant has not been reported in the literature in individuals affected with PDE6A-related conditions. ClinVar contains an entry for this variant (Variation ID: 1491553). Invitae Evidence Modeling of protein sequence and biophysical properties (such as structural, functional, and spatial information, amino acid conservation, physicochemical variation, residue mobility, and thermodynamic stability) has been performed for this missense variant. However, the output from this modeling did not meet the statistical confidence thresholds required to predict the impact of this variant on PDE6A protein function. In summary, the available evidence is currently insufficient to determine the role of this variant in disease. Therefore, it has been classified as a Variant of Uncertain Significance.